The following is an entry in ClinVar:

ClinVar aggregate classification (germline): Pathogenic (1 of 4 stars; one submission).

Conditions:
Hereditary cancer-predisposing syndrome. Also called: Neoplastic Syndromes, Hereditary; Tumor predisposition; Hereditary Cancer Syndrome; Hereditary neoplastic syndrome. Identifiers: Orphanet 140162, MedGen C0027672, MeSH D009386, MONDO:0015356.

Submission:

Ambry Genetics
Classification: Pathogenic for Hereditary cancer-predisposing syndrome. Last evaluated: 2025-12-30. Review status: criteria provided, single submitter. Criteria: Ambry Variant Classification Scheme 2023. Collection method: clinical testing. Allele origin: germline.
Comment: The c.1183dupT pathogenic mutation, located in coding exon 4 of the PALB2 gene, results from a duplication of T at nucleotide position 1183, causing a translational frameshift with a predicted alternate stop codon (p.S395Ffs*6). This variant is considered to be rare based on population cohorts in the Genome Aggregation Database (gnomAD). This alteration is expected to result in loss of function by premature protein truncation or nonsense-mediated mRNA decay. As such, this alteration is interpreted as a disease-causing mutation.

NM_024675.4(PALB2):c.1183dup (p.Ser395fs)

Gene: PALB2 (partner and localizer of BRCA2; minus strand). Cytogenetic location: 16p12.2.
Variant type: Duplication.
Coding change: c.1183dup on transcript NM_024675.4 (MANE Select); coding-DNA position 1183, one base duplicated (T; older notation c.1183dupT).
Protein change: p.Ser395fs; shifts the reading frame from serine 395.
Molecular consequence: frameshift variant. On other transcripts: intron variant (3).
Genome position (GRCh38, 1-based): chr16:23,635,363, A duplicated on the plus strand (T on the coding strand, the reverse complement: PALB2 is on the minus strand); the first of 2 consecutive A bases (chr16:23,635,363-23,635,364); duplicating either gives the same sequence. VCF-style (leftmost placement, unchanged base first): chr16-23635362-G-GA. GRCh37 (hg19) VCF-style: chr16-23646683-G-GA.
Other names: c.1123dup, p.Ser375fs (NM_001407296.1); c.1183dup, p.Ser395fs (NM_001407297.1, NM_001407298.1, NM_001407299.1 and 3 more transcripts); c.298dup, p.Ser100fs (NM_001407304.1, NM_001407311.1, NM_001407305.1 and 5 more transcripts); c.48+5747dup (NM_001407314.1); c.-104-4894dup (NM_001407313.1, NM_001407312.1); c.1183dupT (NM_024675.3); short protein forms S395fs, S100fs, S375fs.
Identifiers: ClinVar variation 4843736 (VCV004843736.1).
Genomic context (GRCh38, chr16:23,635,362, plus strand): 5'-CTTCGTGTTGTTCTAACATAATATTCTGCAGGAAACAGAAGGCCTTCAGGCACTGTGCAA[G>GA]AATGTTTTTCTGCAGAAAGAGGAGAGGTTGCTTCCAGGCTAAGACTCTTAGGTTGACTTA-3'